The following is an entry in ClinVar:

NM_000284.4(PDHA1):c.1153_1155dup (p.Lys385_Phe386insLys)

Gene: PDHA1 (pyruvate dehydrogenase E1 subunit alpha 1; plus strand). Cytogenetic location: Xp22.12.
Variant type: Duplication.
Coding change: c.1153_1155dup on transcript NM_000284.4 (MANE Select); coding-DNA positions 1153 to 1155, 3 bases duplicated (AAG; older notation c.1153_1155dupAAG).
Protein change: p.Lys385_Phe386insLys.
Molecular consequence: inframe insertion.
Genome position (GRCh38, 1-based): chrX:19,359,633-19,359,635, AAG duplicated. VCF-style (leftmost placement, unchanged base first): chrX-19359632-C-CAAG. GRCh37 (hg19) VCF-style: chrX-19377750-C-CAAG.
Other names: c.1267_1269dup, p.Lys423_Phe424insLys (NM_001173454.2); c.1174_1176dup, p.Lys392_Phe393insLys (NM_001173455.2); c.1060_1062dup, p.Lys354_Phe355insLys (NM_001173456.2).
Identifiers: ClinVar variation 4070478 (VCV004070478.2).
Genomic context (GRCh38, chrX:19,359,632, plus strand): 5'-GGGCTACCACATCTACTCCAGCGACCCACCTTTTGAAGTTCGTGGTGCCAATCAGTGGAT[C>CAAG]AAGTTTAAGTCAGTCAGTTAAGGGGAGGAGAAGGAGAGGTTATACCTTCAGGGGGCTACC-3'

ClinVar aggregate classification (germline): Pathogenic. Review status: criteria provided, single submitter (1 of 4 stars). 2 submissions from 2 submitters: Pathogenic (1). 1 of the submissions does not count toward it. Last evaluated 2025-03-17.

Conditions:
Pyruvate dehydrogenase E1-alpha deficiency (PDHAD). Also called: ATAXIA, INTERMITTENT, WITH PYRUVATE DEHYDROGENASE DEFICIENCY; ATAXIA WITH LACTIC ACIDOSIS I; ATAXIA, INTERMITTENT, WITH ABNORMAL PYRUVATE METABOLISM; Ataxia, intermittent, with pyruvate dehydrogenase, or decarboxylase, deficiency. Identifiers: Orphanet 79243, MedGen C1839413, MONDO:0010717, OMIM 312170.

Submissions (2):

GeneDx
Classification: Pathogenic. Last evaluated: 2025-03-17. Review status: criteria provided, single submitter. Criteria: GeneDx Variant Classification Process June 2021. Collection method: clinical testing. Allele origin: germline. Affected: yes.
Comment: Not observed at significant frequency in large population cohorts (gnomAD); In-frame duplication of 1 amino acid(s) in a non-repeat region; This variant is associated with the following publications: (PMID: 28918066)

PDHA1 Study Group, University Children’s Hospital, Paracelsus Medical University
Classification: Likely pathogenic for Pyruvate dehydrogenase E1-alpha deficiency. Last evaluated: 2024-10-15. Review status: no assertion criteria provided. Collection method: research. Allele origin: germline. Affected: yes. Observed: 1 variant allele. Not counted in ClinVar's aggregate classification.
Comment: The NM_000284.3:c.1153_1155dup (p.Lys385dup) change is a deletion-insertion (delins) variant in PDHA1 gene. The variant has been reported in 1 published case (PMIDs: 28918066). Last literature search: July 12, 2024. This variant is absent or extremely rare in population-based cohorts in the Genome Aggregation Database (gnomAD). Individuals harboring this variant presented with clinical features compatible with PDHA1-related PDHc deficiency. In summary, this variant meets criteria to be classified as pathogenic (P) for PDHA1-related PDHc deficiency based on the ACMG/AMP criteria applied: PS2, PS3, PM1, PM2, PM4, PM7 (last assessment October 15, 2024).

Literature cited by the submitters: PubMed 28918066 (cited by PDHA1 Study Group, University Children’s Hospital, Paracelsus Medical University); DOI 10.1093/brain/awaf430 (cited by PDHA1 Study Group, University Children’s Hospital, Paracelsus Medical University).